The following is an entry in ClinVar:

NM_001077350.3(NPRL3):c.1601A>G (p.Asn534Ser)

Gene: NPRL3 (NPR3 like, GATOR1 complex subunit; minus strand). Cytogenetic location: 16p13.3.
Variant type: single nucleotide variant.
Coding change: c.1601A>G on transcript NM_001077350.3 (MANE Select); coding-DNA position 1601, A replaced by G.
Protein change: p.Asn534Ser; replaces asparagine 534 with serine.
Molecular consequence: missense variant.
Genome position (GRCh38, 1-based): chr16:86,814, T>C on the plus strand (A>G on the coding strand, the complement: NPRL3 is on the minus strand). VCF-style: chr16-86814-T-C. GRCh37 (hg19) VCF-style: chr16-136813-T-C.
Other names: c.1064A>G, p.Asn355Ser (NM_001039476.3); c.1367A>G, p.Asn456Ser (NM_001243247.2); c.1526A>G, p.Asn509Ser (NM_001243248.2, NM_001243249.2); short protein forms N355S, N534S, N509S, N456S.
Identifiers: ClinVar variation 4706225 (VCV004706225.1).

ClinVar aggregate classification (germline): Uncertain significance (1 of 4 stars; one submission).

Conditions:
Epilepsy, familial focal, with variable foci 3 (FFEVF3). Identifiers: MedGen C4310708, MONDO:0014925, OMIM 617118.

Submission:

Labcorp Genetics (formerly Invitae), Labcorp
Classification: Uncertain significance for Epilepsy, familial focal, with variable foci 3. Last evaluated: 2025-10-10. Review status: criteria provided, single submitter. Criteria: Invitae Variant Classification Sherloc (09022015). Collection method: clinical testing. Allele origin: germline.
Comment: This sequence change replaces asparagine, which is neutral and polar, with serine, which is neutral and polar, at codon 534 of the NPRL3 protein (p.Asn534Ser). This variant is not present in population databases (gnomAD no frequency). This variant has not been reported in the literature in individuals affected with NPRL3-related conditions. Invitae Evidence Modeling of protein sequence and biophysical properties (such as structural, functional, and spatial information, amino acid conservation, physicochemical variation, residue mobility, and thermodynamic stability) indicates that this missense variant is not expected to disrupt NPRL3 protein function with a negative predictive value of 80%. In summary, the available evidence is currently insufficient to determine the role of this variant in disease. Therefore, it has been classified as a Variant of Uncertain Significance.